The following is an entry in ClinVar:

NM_017671.5(FERMT1):c.1185C>G (p.Ile395Met)

Gene: FERMT1 (FERM domain containing kindlin 1; minus strand). Cytogenetic location: 20p12.3.
Variant type: single nucleotide variant.
Coding change: c.1185C>G on transcript NM_017671.5 (MANE Select); coding-DNA position 1185, C replaced by G.
Protein change: p.Ile395Met; replaces isoleucine 395 with methionine.
Molecular consequence: missense variant.
Genome position (GRCh38, 1-based): chr20:6,089,044, G>C on the plus strand (C>G on the coding strand, the complement: FERMT1 is on the minus strand). VCF-style: chr20-6089044-G-C. GRCh37 (hg19) VCF-style: chr20-6069691-G-C.
Other names: short protein forms I395M.
Identifiers: ClinVar variation 2130479 (VCV002130479.4), dbSNP rs2514694632, ClinGen allele CA408181097.
Genomic context (GRCh38, chr20:6,089,044, plus strand): 5'-TAGTGGTTCTCCTTGTTCAAGTTCCTTATTTTTAAAGTATGCTATGGATGTGTCTTTAAA[G>C]ATAAACCAATATTGTTTGAAAGCTTTTGGTAGTAACTTCTTGGGCCTGCAAATTCAAAGA-3'
Protein context (NP_060141.3, residues 385-405): LPKAFKQYWF[Ile395Met]FKDTSIAYFK

ClinVar aggregate classification (germline): Uncertain significance (1 of 4 stars; one submission).

Allele frequency attached by ClinVar (database versions not stated): gnomAD exomes below 0.00001.
gnomAD v4.1: 2 of 1,611,534 alleles (0.00012%); highest among the groups gnomAD compares: Middle Eastern, 0.033%; no homozygotes.

Submission:

Labcorp Genetics (formerly Invitae), Labcorp
Classification: Uncertain significance. Last evaluated: 2022-04-25. Review status: criteria provided, single submitter. Criteria: Invitae Variant Classification Sherloc (09022015). Collection method: clinical testing. Allele origin: germline.
Comment: In summary, the available evidence is currently insufficient to determine the role of this variant in disease. Therefore, it has been classified as a Variant of Uncertain Significance. Algorithms developed to predict the effect of missense changes on protein structure and function (SIFT, PolyPhen-2, Align-GVGD) all suggest that this variant is likely to be tolerated. This variant has not been reported in the literature in individuals affected with FERMT1-related conditions. This variant is not present in population databases (gnomAD no frequency). This sequence change replaces isoleucine, which is neutral and non-polar, with methionine, which is neutral and non-polar, at codon 395 of the FERMT1 protein (p.Ile395Met).